The following is an entry in ClinVar:

NM_207037.2(TCF12):c.143G>A (p.Gly48Glu)

Gene: TCF12 (transcription factor 12; plus strand). Cytogenetic location: 15q21.3.
Variant type: single nucleotide variant.
Coding change: c.143G>A on transcript NM_207037.2 (MANE Select); coding-DNA position 143, G replaced by A.
Protein change: p.Gly48Glu; replaces glycine 48 with glutamic acid.
Molecular consequence: missense variant. On other transcripts: 5 prime UTR variant (3).
Genome position (GRCh38, 1-based): chr15:56,921,093, G>A. VCF-style: chr15-56921093-G-A. GRCh37 (hg19) VCF-style: chr15-57213291-G-A.
Other names: c.143G>A, p.Gly48Glu (NM_001322151.2, NM_001322152.2, NM_001322157.3 and 8 more transcripts); c.-510G>A (NM_001322154.2); c.-94G>A (NM_001322156.2, NM_001322158.2); short protein forms G48E.
Identifiers: ClinVar variation 2577571 (VCV002577571.1), dbSNP rs1458493092, ClinGen allele CA392786316.

ClinVar aggregate classification (germline): Uncertain significance (1 of 4 stars; one submission).

gnomAD v4.1: 2 of 1,607,112 alleles (0.00012%); highest among the groups gnomAD compares: Non-Finnish European, 0.00017%; no homozygotes.

Submission:

GeneDx
Classification: Uncertain significance. Last evaluated: 2023-02-27. Review status: criteria provided, single submitter. Criteria: GeneDx Variant Classification Process June 2021. Collection method: clinical testing. Allele origin: germline. Affected: yes.
Comment: Not observed at significant frequency in large population cohorts (gnomAD); In silico analysis supports that this missense variant has a deleterious effect on protein structure/function; Has not been previously published as pathogenic or benign to our knowledge